The following is an entry in ClinVar:

ClinVar aggregate classification (germline): Uncertain significance (1 of 4 stars; one submission).

Conditions:
Kabuki syndrome. Also called: Kabuki make-up syndrome; NIIKAWA-KUROKI SYNDROME. Identifiers: Orphanet 2322, MedGen C0796004, MONDO:0016512.

Submission:

Labcorp Genetics (formerly Invitae), Labcorp
Classification: Uncertain significance for Kabuki syndrome. Last evaluated: 2022-09-13. Review status: criteria provided, single submitter. Criteria: Invitae Variant Classification Sherloc (09022015). Collection method: clinical testing. Allele origin: germline.
Comment: In summary, the available evidence is currently insufficient to determine the role of this variant in disease. Therefore, it has been classified as a Variant of Uncertain Significance. Advanced modeling of protein sequence and biophysical properties (such as structural, functional, and spatial information, amino acid conservation, physicochemical variation, residue mobility, and thermodynamic stability) performed at Invitae indicates that this missense variant is not expected to disrupt KMT2D protein function. This variant has not been reported in the literature in individuals affected with KMT2D-related conditions. This variant is not present in population databases (gnomAD no frequency). This sequence change replaces proline, which is neutral and non-polar, with leucine, which is neutral and non-polar, at codon 26 of the KMT2D protein (p.Pro26Leu).

NM_003482.4(KMT2D):c.77C>T (p.Pro26Leu)

Gene: KMT2D (lysine methyltransferase 2D; minus strand). Cytogenetic location: 12q13.12.
Variant type: single nucleotide variant.
Coding change: c.77C>T on transcript NM_003482.4 (MANE Select); coding-DNA position 77, C replaced by T.
Protein change: p.Pro26Leu; replaces proline 26 with leucine.
Molecular consequence: missense variant.
Genome position (GRCh38, 1-based): chr12:49,054,999, G>A on the plus strand (C>T on the coding strand, the complement: KMT2D is on the minus strand). VCF-style: chr12-49054999-G-A. GRCh37 (hg19) VCF-style: chr12-49448782-G-A.
Other names: short protein forms P26L.
Identifiers: ClinVar variation 1719338 (VCV001719338.5), dbSNP rs2498473186, ClinGen allele CA384690861.
Genomic context (GRCh38, chr12:49,054,999, plus strand): 5'-GAACTAAGGACAGAGACCTCTCCCACATGTGGGTTGGGCAGGTCTGACTCAGTGGCACTT[G>A]GGTCCTCAGAAGCTGCAGGTCCATCAGCTGAATAAACAGACAAACAGCATGTGTCAGCCA-3'
Protein context (NP_003473.3, residues 16-36): AADGPAASED[Pro26Leu]SATESDLPNP